The following is an entry in ClinVar:

NM_021815.5(SLC5A7):c.1362G>A (p.Leu454=)

Gene: SLC5A7 (solute carrier family 5 member 7; plus strand). Cytogenetic location: 2q12.3.
Variant type: single nucleotide variant.
Coding change: c.1362G>A on transcript NM_021815.5 (MANE Select); coding-DNA position 1362, G replaced by A.
Protein change: p.Leu454=; no amino-acid change (leucine 454 retained).
Molecular consequence: synonymous variant.
Genome position (GRCh38, 1-based): chr2:108,010,480, G>A. VCF-style: chr2-108010480-G-A. GRCh37 (hg19) VCF-style: chr2-108626936-G-A.
Other names: c.1362G>A, p.Leu454= (NM_001305005.3); c.1047G>A, p.Leu349= (NM_001305006.3); c.621G>A, p.Leu207= (NM_001305007.3); c.1362G>A (NM_021815.4).
Identifiers: ClinVar variation 705781 (VCV000705781.57), dbSNP rs561099749, ClinGen allele CA1819167.
Genomic context (GRCh38, chr2:108,010,480, plus strand): 5'-GGCCGTGGCAGGTTATGTTTCTGGCCTCTTCCTGAGAATAACTGGAGGGGAGCCATATCT[G>A]TATCTTCAGCCCTTGATCTTCTACCCTGGCTATTACCCTGATGATAATGGTATATATAAT-3'
Protein context (NP_068587.1, residues 444-464): FLRITGGEPY[Leu454=]YLQPLIFYPG

ClinVar aggregate classification (germline): Likely benign. Review status: criteria provided, multiple submitters, no conflicts (2 of 4 stars). 5 submissions from 5 submitters: Likely benign (5). Last evaluated 2025-12-02.

Conditions:
Congenital myasthenic syndrome 20. Also called: Myasthenic syndrome, congenital, 20, presynaptic. Identifiers: MedGen C4310694, MONDO:0014939, OMIM 617143.
Neuronopathy, distal hereditary motor, type 7A. Also called: NEURONOPATHY, DISTAL HEREDITARY MOTOR, HARDING TYPE VIIA; NEUROPATHY, DISTAL HEREDITARY MOTOR, HARDING TYPE VIIA; Neuronopathy, distal hereditary motor, type viia; SPINAL MUSCULAR ATROPHY, DISTAL, WITH VOCAL CORD PARALYSIS; Neuronopathy, distal hereditary motor, autosomal dominant 7; HARPER-YOUNG MYOPATHY. Identifiers: Orphanet 139589, MedGen C1834703, MONDO:0008024, OMIM 158580.
SLC5A7-related disorder. Also called: SLC5A7-related condition.

Allele frequency attached by ClinVar (database versions not stated): gnomAD 0.00001 and 0.00005; ExAC 0.00021; 1000 Genomes Project 30x 0.00031; 1000 Genomes Project 0.00040.
gnomAD v4.1: 181 of 1,613,920 alleles (0.011%); highest among the groups gnomAD compares: South Asian, 0.17%; 4 homozygotes.

Submissions (5):

Labcorp Genetics (formerly Invitae), Labcorp
Classification: Likely benign for Neuronopathy, distal hereditary motor, type 7A; Congenital myasthenic syndrome 20. Last evaluated: 2025-12-02. Review status: criteria provided, single submitter. Criteria: Invitae Variant Classification Sherloc (09022015). Collection method: clinical testing. Allele origin: germline.

PreventionGenetics, part of Exact Sciences
Classification: Likely benign for SLC5A7-related condition. Last evaluated: 2025-11-04. Review status: criteria provided, single submitter. Criteria: ACMG Guidelines, 2015. Collection method: clinical testing. Allele origin: germline.
Comment: This variant is classified as likely benign based on ACMG/AMP sequence variant interpretation guidelines (Richards et al. 2015 PMID: 25741868, with internal and published modifications).

Blueprint Genetics
Classification: Likely benign. Last evaluated: 2024-08-12. Review status: criteria provided, single submitter. Criteria: ACMG Guidelines, 2015. Collection method: clinical testing. Allele origin: germline.

CeGaT Center for Human Genetics Tuebingen
Classification: Likely benign. Last evaluated: 2020-02-01. Review status: criteria provided, single submitter. Criteria: CeGaT Center For Human Genetics Tuebingen Variant Classification Criteria Version 2. Collection method: clinical testing. Allele origin: germline. Affected: yes. Observed: 1 variant allele.

ARUP Laboratories, Molecular Genetics and Genomics, ARUP Laboratories
Classification: Likely benign. Last evaluated: 2019-09-05. Review status: criteria provided, single submitter. Criteria: ARUP Molecular Germline Variant Investigation Process. Collection method: clinical testing. Allele origin: germline.